The following is an entry in ClinVar:

ClinVar aggregate classification (germline): Uncertain significance (1 of 4 stars; one submission).

Allele frequency attached by ClinVar (database versions not stated): gnomAD exomes 0.00001.
gnomAD v4.1: 9 of 1,610,318 alleles (0.00056%); highest among the groups gnomAD compares: Non-Finnish European, 0.00076%; no homozygotes.

Submission:

Labcorp Genetics (formerly Invitae), Labcorp
Classification: Uncertain significance. Last evaluated: 2024-02-15. Review status: criteria provided, single submitter. Criteria: Invitae Variant Classification Sherloc (09022015). Collection method: clinical testing. Allele origin: germline.
Comment: This sequence change affects a donor splice site in intron 1 of the GUCY2C gene. It is expected to disrupt RNA splicing. Variants that disrupt the donor or acceptor splice site typically lead to a loss of protein function (PMID: 16199547), however the current clinical and genetic evidence is not sufficient to establish whether loss-of-function variants in GUCY2C cause disease. This variant is not present in population databases (gnomAD no frequency). This variant has not been reported in the literature in individuals affected with GUCY2C-related conditions. ClinVar contains an entry for this variant (Variation ID: 1923817). Algorithms developed to predict the effect of sequence changes on RNA splicing suggest that this variant may disrupt the consensus splice site. In summary, the available evidence is currently insufficient to determine the role of this variant in disease. Therefore, it has been classified as a Variant of Uncertain Significance.

Literature cited by the submitters: PubMed 16199547.

NM_004963.4(GUCY2C):c.217+1G>A

Genes: GUCY2C (guanylate cyclase 2C; minus strand), GUCY2C-AS1 (GUCY2C antisense RNA 1; plus strand). Cytogenetic location: 12p12.3.
Variant type: single nucleotide variant.
Coding change: c.217+1G>A on transcript NM_004963.4 (MANE Select); the canonical splice donor site of the intron after coding-DNA position 217, G replaced by A.
Molecular consequence: splice donor variant.
Genome position (GRCh38, 1-based): chr12:14,696,231, C>T on the plus strand (G>A on the coding strand, the complement: GUCY2C is on the minus strand). VCF-style: chr12-14696231-C-T. GRCh37 (hg19) VCF-style: chr12-14849165-C-T.
Identifiers: ClinVar variation 1923817 (VCV001923817.5), dbSNP rs992870090, ClinGen allele CA233245487.